The following is an entry in ClinVar:

NM_001099274.3(TINF2):c.1016C>T (p.Ala339Val)

Gene: TINF2 (TERF1 interacting nuclear factor 2; minus strand). Cytogenetic location: 14q12.
Variant type: single nucleotide variant.
Coding change: c.1016C>T on transcript NM_001099274.3 (MANE Select); coding-DNA position 1016, C replaced by T.
Protein change: p.Ala339Val; replaces alanine 339 with valine.
Molecular consequence: missense variant.
Genome position (GRCh38, 1-based): chr14:24,240,464, G>A on the plus strand (C>T on the coding strand, the complement: TINF2 is on the minus strand). VCF-style: chr14-24240464-G-A. GRCh37 (hg19) VCF-style: chr14-24709670-G-A.
Other names: c.911C>T, p.Ala304Val (NM_001363668.2); c.1016C>T, p.Ala339Val (NM_012461.3); short protein forms A339V, A304V.
Identifiers: ClinVar variation 575872 (VCV000575872.8), dbSNP rs1566366492, ClinGen allele CA389223658.

ClinVar aggregate classification (germline): Uncertain significance (1 of 4 stars; one submission).

Conditions:
Dyskeratosis congenita. Identifiers: Orphanet 1775, MedGen C0265965, MONDO:0015780.

Submission:

Labcorp Genetics (formerly Invitae), Labcorp
Classification: Uncertain significance for Dyskeratosis congenita. Last evaluated: 2024-09-02. Review status: criteria provided, single submitter. Criteria: Invitae Variant Classification Sherloc (09022015). Collection method: clinical testing. Allele origin: germline.
Comment: This sequence change replaces alanine, which is neutral and non-polar, with valine, which is neutral and non-polar, at codon 339 of the TINF2 protein (p.Ala339Val). This variant is not present in population databases (gnomAD no frequency). This variant has not been reported in the literature in individuals affected with TINF2-related conditions. ClinVar contains an entry for this variant (Variation ID: 575872). An algorithm developed to predict the effect of missense changes on protein structure and function outputs the following: PolyPhen-2: "Possibly Damaging". The valine amino acid residue is found in multiple mammalian species, which suggests that this missense change does not adversely affect protein function. In summary, the available evidence is currently insufficient to determine the role of this variant in disease. Therefore, it has been classified as a Variant of Uncertain Significance.